The following is an entry in ClinVar:

ClinVar aggregate classification (germline): Uncertain significance. Review status: criteria provided, multiple submitters, no conflicts (2 of 4 stars). 2 submissions from 2 submitters: Uncertain significance (2). Last evaluated 2025-06-18.

Conditions:
Inborn genetic diseases. Identifiers: MedGen C0950123, MeSH D030342.

Allele frequency attached by ClinVar (database versions not stated): TOPMed below 0.00001.
gnomAD v4.1: 1 of 1,613,906 alleles (0.000062%); no homozygotes.

Submissions (2):

Ambry Genetics
Classification: Uncertain significance for Inborn genetic diseases. Last evaluated: 2025-06-18. Review status: criteria provided, single submitter. Criteria: Ambry Variant Classification Scheme 2023. Collection method: clinical testing. Allele origin: germline.

Labcorp Genetics (formerly Invitae), Labcorp
Classification: Uncertain significance. Last evaluated: 2025-05-27. Review status: criteria provided, single submitter. Criteria: Invitae Variant Classification Sherloc (09022015). Collection method: clinical testing. Allele origin: germline.
Comment: This sequence change replaces alanine, which is neutral and non-polar, with glycine, which is neutral and non-polar, at codon 1372 of the ASXL2 protein (p.Ala1372Gly). This variant is not present in population databases (gnomAD no frequency). This variant has not been reported in the literature in individuals affected with ASXL2-related conditions. ClinVar contains an entry for this variant (Variation ID: 1920162). Invitae Evidence Modeling of protein sequence and biophysical properties (such as structural, functional, and spatial information, amino acid conservation, physicochemical variation, residue mobility, and thermodynamic stability) indicates that this missense variant is not expected to disrupt ASXL2 protein function with a negative predictive value of 80%. In summary, the available evidence is currently insufficient to determine the role of this variant in disease. Therefore, it has been classified as a Variant of Uncertain Significance.

NM_018263.6(ASXL2):c.4115C>G (p.Ala1372Gly)

Gene: ASXL2 (ASXL transcriptional regulator 2; minus strand). Cytogenetic location: 2p23.3.
Variant type: single nucleotide variant.
Coding change: c.4115C>G on transcript NM_018263.6 (MANE Select); coding-DNA position 4115, C replaced by G.
Protein change: p.Ala1372Gly; replaces alanine 1372 with glycine.
Molecular consequence: missense variant.
Genome position (GRCh38, 1-based): chr2:25,742,222, G>C on the plus strand (C>G on the coding strand, the complement: ASXL2 is on the minus strand). VCF-style: chr2-25742222-G-C. GRCh37 (hg19) VCF-style: chr2-25965091-G-C.
Other names: c.4115C>G (NM_018263.4); c.3941C>G, p.Ala1314Gly (NM_001369346.1); c.3335C>G, p.Ala1112Gly (NM_001369347.1); short protein forms A1372G, A1314G, A1112G.
Identifiers: ClinVar variation 1920162 (VCV001920162.6), dbSNP rs1365887154, ClinGen allele CA346073919.